The following is an entry in ClinVar:

NM_000245.4(MET):c.383A>G (p.Asp128Gly)

Gene: MET (MET proto-oncogene, receptor tyrosine kinase; plus strand). Cytogenetic location: 7q31.2.
Variant type: single nucleotide variant.
Coding change: c.383A>G on transcript NM_000245.4 (MANE Select); coding-DNA position 383, A replaced by G.
Protein change: p.Asp128Gly; replaces aspartic acid 128 with glycine.
Molecular consequence: missense variant. On other transcripts: intron variant (1).
Genome position (GRCh38, 1-based): chr7:116,699,467, A>G. VCF-style: chr7-116699467-A-G. GRCh37 (hg19) VCF-style: chr7-116339521-A-G.
Other names: c.383A>G, p.Asp128Gly (NM_001127500.3, NM_001324401.3); c.-91+26890A>G (NM_001324402.2); short protein forms D128G.
Identifiers: ClinVar variation 454246 (VCV000454246.11), dbSNP rs1554378477, ClinGen allele CA368968956.

ClinVar aggregate classification (germline): Uncertain significance. Review status: criteria provided, multiple submitters, no conflicts (2 of 4 stars). 2 submissions from 2 submitters: Uncertain significance (2). Last evaluated 2025-04-29.

Conditions:
Renal cell carcinoma. Identifiers: Orphanet 217071, MedGen C0007134, MeSH D002292, MONDO:0005086, HP:0005584.
Hereditary cancer-predisposing syndrome. Also called: Hereditary Cancer Syndrome; Hereditary neoplastic syndrome; Neoplastic Syndromes, Hereditary; Tumor predisposition. Identifiers: Orphanet 140162, MedGen C0027672, MeSH D009386, MONDO:0015356.

Submissions (2):

Ambry Genetics
Classification: Uncertain significance for Hereditary cancer-predisposing syndrome. Last evaluated: 2025-04-29. Review status: criteria provided, single submitter. Criteria: Ambry Variant Classification Scheme 2023. Collection method: clinical testing. Allele origin: germline.
Comment: The p.D128G variant (also known as c.383A>G), located in coding exon 1 of the MET gene, results from an A to G substitution at nucleotide position 383. The aspartic acid at codon 128 is replaced by glycine, an amino acid with similar properties. This amino acid position is conserved. In addition, this alteration is predicted to be tolerated by in silico analysis. Based on the available evidence, the clinical significance of this variant remains unclear.

Labcorp Genetics (formerly Invitae), Labcorp
Classification: Uncertain significance for Renal cell carcinoma. Last evaluated: 2024-11-16. Review status: criteria provided, single submitter. Criteria: Invitae Variant Classification Sherloc (09022015). Collection method: clinical testing. Allele origin: germline.
Comment: This sequence change replaces aspartic acid, which is acidic and polar, with glycine, which is neutral and non-polar, at codon 128 of the MET protein (p.Asp128Gly). This variant is not present in population databases (gnomAD no frequency). This variant has not been reported in the literature in individuals affected with MET-related conditions. ClinVar contains an entry for this variant (Variation ID: 454246). Invitae Evidence Modeling of protein sequence and biophysical properties (such as structural, functional, and spatial information, amino acid conservation, physicochemical variation, residue mobility, and thermodynamic stability) indicates that this missense variant is not expected to disrupt MET protein function with a negative predictive value of 80%. In summary, the available evidence is currently insufficient to determine the role of this variant in disease. Therefore, it has been classified as a Variant of Uncertain Significance.